The following is an entry in ClinVar:

NM_020208.4(SLC6A20):c.786C>T (p.Phe262=)

Gene: SLC6A20 (solute carrier family 6 member 20; minus strand). Cytogenetic location: 3p21.31.
Variant type: single nucleotide variant.
Coding change: c.786C>T on transcript NM_020208.4 (MANE Select); coding-DNA position 786, C replaced by T.
Protein change: p.Phe262=; no amino-acid change (phenylalanine 262 retained).
Molecular consequence: synonymous variant.
Genome position (GRCh38, 1-based): chr3:45,771,366, G>A on the plus strand (C>T on the coding strand, the complement: SLC6A20 is on the minus strand). VCF-style: chr3-45771366-G-A. GRCh37 (hg19) VCF-style: chr3-45812858-G-A.
Other names: c.675C>T, p.Phe225= (NM_022405.4).
Identifiers: ClinVar variation 345409 (VCV000345409.6), dbSNP rs144563792, ClinGen allele CA2351498.

ClinVar aggregate classification (germline): Likely benign. Review status: criteria provided, multiple submitters, no conflicts (2 of 4 stars). 2 submissions from 2 submitters: Likely benign (2). Last evaluated 2018-01-13.

Conditions:
Hyperglycinuria. Also called: GLYCINURIA WITH OR WITHOUT OXALATE NEPHROLITHIASIS; GLYCINURIA WITH OR WITHOUT OXALATE UROLITHIASIS; IMINOGLYCINURIA TYPE II. Identifiers: MedGen C0543541, MONDO:0007677, OMIM 138500, HP:0003108.

Allele frequency attached by ClinVar (database versions not stated): gnomAD 0.00134 and 0.00210; ESP Exome Variant Server 0.00138; TOPMed 0.00165; gnomAD exomes 0.00285 and 0.00483; ExAC 0.00484; 1000 Genomes Project 30x 0.00625; 1000 Genomes Project 0.00639.
gnomAD v4.1: 4,572 of 1,614,244 alleles (0.28%); highest among the groups gnomAD compares: Middle Eastern, 2.7%; 69 homozygotes.

Submissions (2):

Illumina Laboratory Services, Illumina
Classification: Likely benign for Hyperglycinuria. Last evaluated: 2018-01-13. Review status: criteria provided, single submitter. Criteria: ICSL Variant Classification Criteria 13 December 2019. Collection method: clinical testing. Allele origin: germline.
Comment: This variant was observed in the ICSL laboratory as part of a predisposition screen in an ostensibly healthy population. It had not been previously curated by ICSL or reported in the Human Gene Mutation Database (HGMD: prior to June 1st, 2018), and was therefore a candidate for classification through an automated scoring system. Utilizing variant allele frequency, disease prevalence and penetrance estimates, and inheritance mode, an automated score was calculated to assess if this variant is too frequent to cause the disease. Based on the score and internal cut-off values, a variant classified as likely benign is not then subjected to further curation. The score for this variant resulted in a classification of likely benign for this disease.

Breakthrough Genomics
Classification: Likely benign. Review status: criteria provided, single submitter. Criteria: ACMG Guidelines, 2015. Collection method: not provided. Allele origin: germline. Inheritance: Autosomal recessive inheritance. Affected: yes.